The following is an entry in ClinVar:

NM_006940.6(SOX5):c.782A>G (p.Lys261Arg)

Gene: SOX5 (SRY-box transcription factor 5; minus strand). Cytogenetic location: 12p12.1.
Variant type: single nucleotide variant.
Coding change: c.782A>G on transcript NM_006940.6 (MANE Select); coding-DNA position 782, A replaced by G.
Protein change: p.Lys261Arg; replaces lysine 261 with arginine.
Molecular consequence: missense variant.
Genome position (GRCh38, 1-based): chr12:23,734,712, T>C on the plus strand (A>G on the coding strand, the complement: SOX5 is on the minus strand). VCF-style: chr12-23734712-T-C. GRCh37 (hg19) VCF-style: chr12-23887646-T-C.
Other names: c.743A>G, p.Lys248Arg (NM_001261414.3, NM_152989.5); c.752A>G, p.Lys251Arg (NM_001261415.3); c.677A>G, p.Lys226Arg (NM_001330785.2); short protein forms K226R, K248R, K251R, K261R.
Identifiers: ClinVar variation 2430423 (VCV002430423.2), dbSNP rs2497802962, ClinGen allele CA384320423.

ClinVar aggregate classification (germline): Uncertain significance (1 of 4 stars; one submission).

Submission:

GeneDx
Classification: Uncertain significance. Last evaluated: 2025-12-16. Review status: criteria provided, single submitter. Criteria: GeneDx Variant Classification Process June 2021. Collection method: clinical testing. Allele origin: germline.
Comment: Not observed at significant frequency in large population cohorts (gnomAD); In silico analysis suggests that this missense variant does not alter protein structure/function; Has not been previously published as pathogenic or benign to our knowledge